The following is an entry in ClinVar:

ClinVar aggregate classification (germline): Benign. Review status: criteria provided, multiple submitters, no conflicts (2 of 4 stars). 2 submissions from 2 submitters: Benign (2). Last evaluated 2025-06-09.

Allele frequency attached by ClinVar (database versions not stated): gnomAD exomes 0.00005 and 0.00014; 1000 Genomes Project 0.00020; ExAC 0.00020; 1000 Genomes Project 30x 0.00031; gnomAD 0.00050 and 0.00056; TOPMed 0.00054; ESP Exome Variant Server 0.00069.
gnomAD v4.1: 149 of 1,606,404 alleles (0.0093%); highest among the groups gnomAD compares: African/African-American, 0.17%; no homozygotes.

Submissions (4):

Athena Diagnostics
Classification: Benign. Last evaluated: 2025-06-09. Review status: criteria provided, single submitter. Criteria: Athena Diagnostics Criteria. Collection method: clinical testing. Allele origin: unknown.
Comment: The frequency of this variant in the general population is higher than would generally be expected for pathogenic variants in this gene. Computational tools yielded predictions that this variant is unlikely to have an effect on normal RNA splicing. This nucleotide position exhibits low evolutionary conservation.

Labcorp Genetics (formerly Invitae), Labcorp
Classification: Benign. Last evaluated: 2024-11-11. Review status: criteria provided, single submitter. Criteria: Invitae Variant Classification Sherloc (09022015). Collection method: clinical testing. Allele origin: germline.

Dr. Peter K. Rogan Lab, Western University
No classification provided (evidence only). Condition: Clear cell carcinoma of kidney. Review status: no classification provided. Collection method: in vitro. Allele origin: not applicable. Functional consequence: retained intron. Not counted in ClinVar's aggregate classification.

Dr. Peter K. Rogan Lab, Western University
No classification provided (evidence only). Condition: Gastric cancer. Review status: no classification provided. Collection method: in vitro. Allele origin: not applicable. Functional consequence: retained intron. Not counted in ClinVar's aggregate classification.

NM_006946.4(SPTBN2):c.5139C>T (p.Arg1713=)

Gene: SPTBN2 (spectrin beta, non-erythrocytic 2; minus strand). Cytogenetic location: 11q13.2.
Variant type: single nucleotide variant.
Coding change: c.5139C>T on transcript NM_006946.4 (MANE Select); coding-DNA position 5139, C replaced by T.
Protein change: p.Arg1713=; no amino-acid change (arginine 1713 retained).
Molecular consequence: synonymous variant.
Genome position (GRCh38, 1-based): chr11:66,692,587, G>A on the plus strand (C>T on the coding strand, the complement: SPTBN2 is on the minus strand). VCF-style: chr11-66692587-G-A. GRCh37 (hg19) VCF-style: chr11-66460058-G-A.
Identifiers: ClinVar variation 747157 (VCV000747157.8), dbSNP rs146602750, ClinGen allele CA6128353.